The following is an entry in ClinVar:

NM_006269.2(RP1):c.2323del (p.Thr775fs)

Gene: RP1 (RP1 axonemal microtubule associated; plus strand). Cytogenetic location: 8q12.1.
Variant type: Deletion.
Coding change: c.2323del on transcript NM_006269.2 (MANE Select); coding-DNA position 2323, one base deleted (A; older notation c.2323delA).
Protein change: p.Thr775fs; shifts the reading frame from threonine 775.
Molecular consequence: frameshift variant. On other transcripts: intron variant (1).
Genome position (GRCh38, 1-based): chr8:54,626,205, A deleted; the last of 2 consecutive A bases (chr8:54,626,204-54,626,205); deleting either gives the same sequence. VCF-style (leftmost placement, unchanged base first): chr8-54626203-TA-T. GRCh37 (hg19) VCF-style: chr8-55538763-TA-T.
Other names: c.787+3917del (NM_001375654.1); short protein forms T775fs.
Identifiers: ClinVar variation 1426124 (VCV001426124.8), dbSNP rs2129316559, ClinGen allele CA2573143222.

ClinVar aggregate classification (germline): Pathogenic (1 of 4 stars; one submission).

Submission:

Labcorp Genetics (formerly Invitae), Labcorp
Classification: Pathogenic. Last evaluated: 2022-03-09. Review status: criteria provided, single submitter. Criteria: Invitae Variant Classification Sherloc (09022015). Collection method: clinical testing. Allele origin: germline.
Comment: For these reasons, this variant has been classified as Pathogenic. This variant disrupts the C-terminus of the RP1 protein. Many variants that disrupt this region have been reported in individuals with either autosomal dominant or autosomal recessive retinitis pigmentosa (PMID: 11527933, 19933189, 29425069, 30027431). Therefore, variants that disrupt this region are expected to be disease-causing. This premature translational stop signal has been observed in individual(s) with retinitis pigmentosa (Invitae). This variant is not present in population databases (gnomAD no frequency). This sequence change creates a premature translational stop signal (p.Thr775Profs*8) in the RP1 gene. While this is not anticipated to result in nonsense mediated decay, it is expected to disrupt the last 1382 amino acid(s) of the RP1 protein.

Literature cited by the submitters: PubMed 11527933; PubMed 19933189; PubMed 29425069; PubMed 30027431.